The following is an entry in ClinVar:

ClinVar aggregate classification (germline): Conflicting classifications of pathogenicity. Review status: criteria provided, conflicting classifications (1 of 4 stars). 3 submissions from 3 submitters: Uncertain significance (2); Likely benign (1). Last evaluated 2021-09-12.

Conditions:
Brugada syndrome. Also called: Sudden unexpected nocturnal death syndrome; Sudden unexplained nocturnal death syndrome; Sudden Unexplained Death Syndrome; Sudden Unexplained Nocturnal Death Syndrome (SUNDS). Identifiers: Orphanet 130, MedGen C1142166, MONDO:0015263.
Cardiovascular phenotype. Identifiers: MedGen CN230736.

Allele frequency attached by ClinVar (database versions not stated): TOPMed 0.00003.
gnomAD v4.1: 31 of 1,613,988 alleles (0.0019%); highest among the groups gnomAD compares: East Asian, 0.058%; no homozygotes.

Submissions (3):

Ambry Genetics
Classification: Likely benign for Cardiovascular phenotype. Last evaluated: 2021-09-12. Review status: criteria provided, single submitter. Criteria: Ambry Variant Classification Scheme 2023. Collection method: clinical testing. Allele origin: germline.

Labcorp Genetics (formerly Invitae), Labcorp
Classification: Uncertain significance for Brugada syndrome. Last evaluated: 2021-08-31. Review status: criteria provided, single submitter. Criteria: Invitae Variant Classification Sherloc (09022015). Collection method: clinical testing. Allele origin: germline.
Comment: This sequence change replaces proline with serine at codon 721 of the SCN10A protein (p.Pro721Ser). The proline residue is highly conserved and there is a moderate physicochemical difference between proline and serine. This variant is present in population databases (rs747114420, ExAC 0.08%). This variant has not been reported in the literature in individuals affected with SCN10A-related conditions. Algorithms developed to predict the effect of missense changes on protein structure and function (SIFT, PolyPhen-2, Align-GVGD) all suggest that this variant is likely to be disruptive. In summary, the available evidence is currently insufficient to determine the role of this variant in disease. Therefore, it has been classified as a Variant of Uncertain Significance.

GeneDx
Classification: Uncertain significance. Last evaluated: 2019-12-24. Review status: criteria provided, single submitter. Criteria: GeneDx Variant Classification Process June 2021. Collection method: clinical testing. Allele origin: germline. Affected: yes.
Comment: Has not been previously published as pathogenic or benign to our knowledge; In silico analysis, which includes protein predictors and evolutionary conservation, supports a deleterious effect

NM_006514.4(SCN10A):c.2161C>T (p.Pro721Ser)

Gene: SCN10A (sodium voltage-gated channel alpha subunit 10; minus strand). Cytogenetic location: 3p22.2.
Variant type: single nucleotide variant.
Coding change: c.2161C>T on transcript NM_006514.4 (MANE Select); coding-DNA position 2161, C replaced by T.
Protein change: p.Pro721Ser; replaces proline 721 with serine.
Molecular consequence: missense variant.
Genome position (GRCh38, 1-based): chr3:38,739,634, G>A on the plus strand (C>T on the coding strand, the complement: SCN10A is on the minus strand). VCF-style: chr3-38739634-G-A. GRCh37 (hg19) VCF-style: chr3-38781125-G-A.
Other names: c.2161C>T, p.Pro721Ser (NM_001293306.2); c.1867C>T, p.Pro623Ser (NM_001293307.2); c.2161C>T (NM_006514.2); short protein forms P721S, P623S.
Identifiers: ClinVar variation 968250 (VCV000968250.7), dbSNP rs747114420, ClinGen allele CA2320618.
Genomic context (GRCh38, chr3:38,739,634, plus strand): 5'-GACTCACAGTGACGATGATGCAGTCAAAGATATTCCACTTCTTCTGGAAATAATAGTATG[G>A]GTCGAAGGCAATGATTTTGAAGACCATTTCAGCAGTAAAAAATATGGTAAAGACCTAGGA-3'
Protein context (NP_006505.4, residues 711-731): EMVFKIIAFD[Pro721Ser]YYYFQKKWNI